The following is an entry in ClinVar:

ClinVar aggregate classification (germline): Likely benign. Review status: criteria provided, multiple submitters, no conflicts (2 of 4 stars). 2 submissions from 2 submitters: Likely benign (2). Last evaluated 2025-11-26.

Conditions:
Polydactyly of a triphalangeal thumb. Also called: Polydactyly, preaxial type II; POLYDACTYLY OF TRIPHALANGEAL THUMB; TRIPHALANGEAL THUMB-POLYDACTYLY SYNDROME. Identifiers: Orphanet 2439, Orphanet 2950, Orphanet 93336, MedGen C1868114, MONDO:0008270, OMIM 174500.

Allele frequency attached by ClinVar (database versions not stated): gnomAD exomes 0.00006 and 0.00013; TOPMed 0.00013; ExAC 0.00016; gnomAD 0.00020 and 0.00023.
gnomAD v4.1: 124 of 1,604,076 alleles (0.0077%); highest among the groups gnomAD compares: African/African-American, 0.039%; no homozygotes.

Submissions (2):

Labcorp Genetics (formerly Invitae), Labcorp
Classification: Likely benign. Last evaluated: 2025-11-26. Review status: criteria provided, single submitter. Criteria: Invitae Variant Classification Sherloc (09022015). Collection method: clinical testing. Allele origin: germline.

Illumina Laboratory Services, Illumina
Classification: Likely benign for Polydactyly of a triphalangeal thumb. Last evaluated: 2018-01-12. Review status: criteria provided, single submitter. Criteria: ICSL Variant Classification Criteria 13 December 2019. Collection method: clinical testing. Allele origin: germline.
Comment: This variant was observed in the ICSL laboratory as part of a predisposition screen in an ostensibly healthy population. It had not been previously curated by ICSL or reported in the Human Gene Mutation Database (HGMD: prior to June 1st, 2018), and was therefore a candidate for classification through an automated scoring system. Utilizing variant allele frequency, disease prevalence and penetrance estimates, and inheritance mode, an automated score was calculated to assess if this variant is too frequent to cause the disease. Based on the score and internal cut-off values, a variant classified as likely benign is not then subjected to further curation. The score for this variant resulted in a classification of likely benign for this disease.

NM_022458.4(LMBR1):c.462T>G (p.Leu154=)

Gene: LMBR1 (limb development membrane protein 1; minus strand). Cytogenetic location: 7q36.3.
Variant type: single nucleotide variant.
Coding change: c.462T>G on transcript NM_022458.4 (MANE Select); coding-DNA position 462, T replaced by G.
Protein change: p.Leu154=; no amino-acid change (leucine 154 retained).
Molecular consequence: synonymous variant. On other transcripts: non-coding transcript variant (2).
Genome position (GRCh38, 1-based): chr7:156,763,757, A>C on the plus strand (T>G on the coding strand, the complement: LMBR1 is on the minus strand). VCF-style: chr7-156763757-A-C. GRCh37 (hg19) VCF-style: chr7-156556451-A-C.
Other names: c.462T>G, p.Leu154= (NM_001350953.2, NM_001363409.2, NM_001363410.2); c.183T>G, p.Leu61= (NM_001350954.2); c.6T>G, p.Leu2= (NM_001350955.2, NM_001350956.2, NM_001350958.2 and 1 more transcripts); c.93T>G, p.Leu31= (NM_001350957.2, NM_001363411.2); c.399T>G, p.Leu133= (NM_001363412.2).
Identifiers: ClinVar variation 359431 (VCV000359431.7), dbSNP rs765231166, ClinGen allele CA4588109.
Genomic context (GRCh38, chr7:156,763,757, plus strand): 5'-GTTGTCAATGAGTGCTGAAGCTACCCACACTATCCCAAGAATGAGTAACGCAAGAAGAAG[A>C]AGCATGACCAAAGTCTCTAAAATGCGGGCTCGGATTCCCTGAAAAATAGAGTAGAAATAT-3'
Protein context (NP_071903.2, residues 144-164): RARILETLVM[Leu154=]LLLALLILGI